The following is an entry in ClinVar:

NM_016169.4(SUFU):c.1238T>C (p.Val413Ala)

Gene: SUFU (SUFU negative regulator of hedgehog signaling; plus strand). Cytogenetic location: 10q24.32.
Variant type: single nucleotide variant.
Coding change: c.1238T>C on transcript NM_016169.4 (MANE Select); coding-DNA position 1238, T replaced by C.
Protein change: p.Val413Ala; replaces valine 413 with alanine.
Molecular consequence: missense variant.
Genome position (GRCh38, 1-based): chr10:102,617,370, T>C. VCF-style: chr10-102617370-T-C. GRCh37 (hg19) VCF-style: chr10-104377127-T-C.
Other names: c.1238T>C, p.Val413Ala (NM_001178133.2); short protein forms V413A.
Identifiers: ClinVar variation 4076866 (VCV004076866.1).
Genomic context (GRCh38, chr10:102,617,370, plus strand): 5'-GGCACTTTACATATAAAAGTATCACAGGTGACATGGCCATCACGTTTGTCTCCACGGGAG[T>C]GGAAGGCGCCTTTGCCACTGAGGAGCATCCTTACGCGGCTCATGGACCCTGGTTACAAGT-3'
Protein context (NP_057253.2, residues 403-423): DMAITFVSTG[Val413Ala]EGAFATEEHP

ClinVar aggregate classification (germline): Uncertain significance (1 of 4 stars; one submission).

gnomAD v4.1: 1 of 1,614,084 alleles (0.000062%); highest among the groups gnomAD compares: Non-Finnish European, 0.000085%; no homozygotes.

Submission:

GeneDx
Classification: Uncertain significance. Last evaluated: 2025-02-20. Review status: criteria provided, single submitter. Criteria: GeneDx Variant Classification Process June 2021. Collection method: clinical testing. Allele origin: germline. Affected: yes.
Comment: Not observed at significant frequency in large population cohorts (gnomAD); In silico analysis supports that this missense variant has a deleterious effect on protein structure/function; Has not been previously published as pathogenic or benign to our knowledge; This variant is associated with the following publications: (PMID: 12426310)